The following is an entry in ClinVar:

NM_177438.3(DICER1):c.3380T>C (p.Ile1127Thr)

Gene: DICER1 (dicer 1, ribonuclease III; minus strand). Cytogenetic location: 14q32.13.
Variant type: single nucleotide variant.
Coding change: c.3380T>C on transcript NM_177438.3 (MANE Select); coding-DNA position 3380, T replaced by C.
Protein change: p.Ile1127Thr; replaces isoleucine 1127 with threonine.
Molecular consequence: missense variant. On other transcripts: non-coding transcript variant (6).
Genome position (GRCh38, 1-based): chr14:95,104,016, A>G on the plus strand (T>C on the coding strand, the complement: DICER1 is on the minus strand). VCF-style: chr14-95104016-A-G. GRCh37 (hg19) VCF-style: chr14-95570353-A-G.
Other names: c.3380T>C, p.Ile1127Thr (NM_001395681.1, NM_001395682.1, NM_001395683.1 and 13 more transcripts); c.3098T>C, p.Ile1033Thr (NM_001395686.1); c.2975T>C, p.Ile992Thr (NM_001395687.1, NM_001395688.1, NM_001395689.1 and 2 more transcripts); c.2813T>C, p.Ile938Thr (NM_001395691.1); c.1697T>C, p.Ile566Thr (NM_001395697.1); short protein forms I566T, I992T, I1033T, I938T, I1127T.
Identifiers: ClinVar variation 1995018 (VCV001995018.5), dbSNP rs567895583, ClinGen allele CA390875665.

ClinVar aggregate classification (germline): Uncertain significance. Review status: criteria provided, multiple submitters, no conflicts (2 of 4 stars). 2 submissions from 2 submitters: Uncertain significance (2). Last evaluated 2025-03-19.

Conditions:
Hereditary cancer-predisposing syndrome. Also called: Hereditary Cancer Syndrome; Tumor predisposition; Hereditary neoplastic syndrome; Neoplastic Syndromes, Hereditary. Identifiers: Orphanet 140162, MedGen C0027672, MeSH D009386, MONDO:0015356.
DICER1-related tumor predisposition. Also called: DICER1-related pleuropulmonary blastoma cancer predisposition syndrome; DICER1 syndrome. Identifiers: Orphanet 284343, MedGen C3839822, MONDO:0100216.

Submissions (2):

Ambry Genetics
Classification: Uncertain significance for Hereditary cancer-predisposing syndrome. Last evaluated: 2025-03-19. Review status: criteria provided, single submitter. Criteria: Ambry Variant Classification Scheme 2023. Collection method: clinical testing. Allele origin: germline.
Comment: The p.I1127T variant (also known as c.3380T>C), located in coding exon 20 of the DICER1 gene, results from a T to C substitution at nucleotide position 3380. The isoleucine at codon 1127 is replaced by threonine, an amino acid with similar properties. This amino acid position is conserved. In addition, this alteration is predicted to be tolerated by in silico analysis. Based on the available evidence, the clinical significance of this variant remains unclear.

Labcorp Genetics (formerly Invitae), Labcorp
Classification: Uncertain significance for DICER1-related tumor predisposition. Last evaluated: 2022-05-16. Review status: criteria provided, single submitter. Criteria: Invitae Variant Classification Sherloc (09022015). Collection method: clinical testing. Allele origin: germline.
Comment: In summary, the available evidence is currently insufficient to determine the role of this variant in disease. Therefore, it has been classified as a Variant of Uncertain Significance. Algorithms developed to predict the effect of missense changes on protein structure and function output the following: SIFT: "Tolerated"; PolyPhen-2: "Benign"; Align-GVGD: "Class C0". The threonine amino acid residue is found in multiple mammalian species, which suggests that this missense change does not adversely affect protein function. This variant has not been reported in the literature in individuals affected with DICER1-related conditions. This variant is not present in population databases (gnomAD no frequency). This sequence change replaces isoleucine, which is neutral and non-polar, with threonine, which is neutral and polar, at codon 1127 of the DICER1 protein (p.Ile1127Thr).